The following is an entry in ClinVar:

NM_001040142.2(SCN2A):c.4886G>C (p.Arg1629Pro)

Gene: SCN2A (sodium voltage-gated channel alpha subunit 2; plus strand). Cytogenetic location: 2q24.3.
Variant type: single nucleotide variant.
Coding change: c.4886G>C on transcript NM_001040142.2 (MANE Select); coding-DNA position 4886, G replaced by C.
Protein change: p.Arg1629Pro; replaces arginine 1629 with proline.
Molecular consequence: missense variant.
Genome position (GRCh38, 1-based): chr2:165,388,692, G>C. VCF-style: chr2-165388692-G-C. GRCh37 (hg19) VCF-style: chr2-166245202-G-C.
Other names: c.4886G>C, p.Arg1629Pro (NM_001040143.2, NM_001371246.1, NM_001371247.1 and 1 more transcripts); short protein forms R1629P.
Identifiers: ClinVar variation 2931831 (VCV002931831.3), dbSNP rs796053157, ClinGen allele CA349037706.
Genomic context (GRCh38, chr2:165,388,692, plus strand): 5'-TGTTTCTGGCTGAACTGATAGAAAAGTATTTTGTGTCCCCTACCCTGTTCCGAGTGATCC[G>C]TCTTGCCAGGATTGGCCGAATCCTACGTCTGATCAAAGGAGCAAAGGGGATCCGCACGCT-3'
Protein context (NP_001035232.1, residues 1619-1639): FVSPTLFRVI[Arg1629Pro]LARIGRILRL

ClinVar aggregate classification (germline): Pathogenic (1 of 4 stars; one submission).

Conditions:
Seizures, benign familial infantile, 3 (BFIS3). Also called: CONVULSIONS, BENIGN FAMILIAL INFANTILE, 3; Familial neonatal seizures. Identifiers: Orphanet 140927, Orphanet 306, MedGen C1843140, MONDO:0011904, OMIM 607745.
Developmental and epileptic encephalopathy, 11 (DEE11). Also called: Early infantile epileptic encephalopathy 11. Identifiers: Orphanet 1934, MedGen C3150987, MONDO:0013388, OMIM 613721.

Submission:

Labcorp Genetics (formerly Invitae), Labcorp
Classification: Pathogenic for Seizures, benign familial infantile, 3; Developmental and epileptic encephalopathy, 11. Last evaluated: 2024-04-25. Review status: criteria provided, single submitter. Criteria: Invitae Variant Classification Sherloc (09022015). Collection method: clinical testing. Allele origin: germline.
Comment: This sequence change replaces arginine, which is basic and polar, with proline, which is neutral and non-polar, at codon 1629 of the SCN2A protein (p.Arg1629Pro). This variant is not present in population databases (gnomAD no frequency). This missense change has been observed in individual(s) with clinical features of SCN2A-related disorders (PMID: 31302675). In at least one individual the variant was observed to be de novo. Advanced modeling of protein sequence and biophysical properties (such as structural, functional, and spatial information, amino acid conservation, physicochemical variation, residue mobility, and thermodynamic stability) performed at Invitae indicates that this missense variant is expected to disrupt SCN2A protein function with a positive predictive value of 95%. This variant disrupts the p.Arg1629 amino acid residue in SCN2A. Other variant(s) that disrupt this residue have been determined to be pathogenic (PMID: 28379373, 29100083, 30619928, 31054490). This suggests that this residue is clinically significant, and that variants that disrupt this residue are likely to be disease-causing. For these reasons, this variant has been classified as Pathogenic.

Literature cited by the submitters: PubMed 31302675; PubMed 28379373; PubMed 29100083; PubMed 30619928; PubMed 31054490.